The following is an entry in ClinVar:

ClinVar aggregate classification (germline): Likely benign (1 of 4 stars; one submission).

Submission:

CeGaT Center for Human Genetics Tuebingen
Classification: Likely benign. Last evaluated: 2022-07-01. Review status: criteria provided, single submitter. Criteria: CeGaT Center For Human Genetics Tuebingen Variant Classification Criteria Version 2. Collection method: clinical testing. Allele origin: germline. Affected: yes. Observed: 1 variant allele.
Comment: CRX: PM2:Supporting, BP4, BP7

NM_000554.6(CRX):c.879C>G (p.Ala293=)

Gene: CRX (cone-rod homeobox; plus strand). Cytogenetic location: 19q13.33.
Variant type: single nucleotide variant.
Coding change: c.879C>G on transcript NM_000554.6 (MANE Select); coding-DNA position 879, C replaced by G.
Protein change: p.Ala293=; no amino-acid change (alanine 293 retained).
Molecular consequence: synonymous variant.
Genome position (GRCh38, 1-based): chr19:47,839,946, C>G. VCF-style: chr19-47839946-C-G. GRCh37 (hg19) VCF-style: chr19-48343203-C-G.
Identifiers: ClinVar variation 2650196 (VCV002650196.24), dbSNP rs2514256865, ClinGen allele CA508261602.